The following is an entry in ClinVar:

NM_001252024.2(TRPM1):c.4452G>A (p.Thr1484=)

Gene: TRPM1 (transient receptor potential cation channel subfamily M member 1; minus strand). Cytogenetic location: 15q13.3.
Variant type: single nucleotide variant.
Coding change: c.4452G>A on transcript NM_001252024.2 (MANE Select); coding-DNA position 4452, G replaced by A.
Protein change: p.Thr1484=; no amino-acid change (threonine 1484 retained).
Molecular consequence: synonymous variant.
Genome position (GRCh38, 1-based): chr15:31,002,248, C>T on the plus strand (G>A on the coding strand, the complement: TRPM1 is on the minus strand). VCF-style: chr15-31002248-C-T. GRCh37 (hg19) VCF-style: chr15-31294451-C-T.
Other names: c.4503G>A, p.Thr1501= (NM_001252020.2); c.4386G>A, p.Thr1462= (NM_002420.6).
Identifiers: ClinVar variation 315491 (VCV000315491.17), dbSNP rs16956430, ClinGen allele CA7451641.

ClinVar aggregate classification (germline): Benign. Review status: criteria provided, multiple submitters, no conflicts (2 of 4 stars). 4 submissions from 4 submitters: Benign (4). Last evaluated 2026-02-02.

Conditions:
Congenital stationary night blindness 1C. Also called: Night blindness, congenital stationary (complete), 1C, autosomal recessive. Identifiers: Orphanet 215, MedGen C2750747, MONDO:0013183, OMIM 613216.

Allele frequency attached by ClinVar (database versions not stated): ESP Exome Variant Server 0.02763; 1000 Genomes Project 0.02855; TOPMed 0.03140; 1000 Genomes Project 30x 0.03170.
gnomAD v4.1: 8,738 of 1,614,188 alleles (0.54%); highest among the groups gnomAD compares: African/African-American, 9.9%; 370 homozygotes.

Submissions (4):

Labcorp Genetics (formerly Invitae), Labcorp
Classification: Benign. Last evaluated: 2026-02-02. Review status: criteria provided, single submitter. Criteria: Invitae Variant Classification Sherloc (09022015). Collection method: clinical testing. Allele origin: germline.

GeneDx
Classification: Benign. Last evaluated: 2019-01-13. Review status: criteria provided, single submitter. Criteria: GeneDx Variant Classification Process June 2021. Collection method: clinical testing. Allele origin: germline. Affected: yes.

Illumina Laboratory Services, Illumina
Classification: Benign for Congenital stationary night blindness 1C. Last evaluated: 2018-01-13. Review status: criteria provided, single submitter. Criteria: ICSL Variant Classification Criteria 13 December 2019. Collection method: clinical testing. Allele origin: germline.
Comment: This variant was observed in the ICSL laboratory as part of a predisposition screen in an ostensibly healthy population. It had not been previously curated by ICSL or reported in the Human Gene Mutation Database (HGMD: prior to June 1st, 2018), and was therefore a candidate for classification through an automated scoring system. Utilizing variant allele frequency, disease prevalence and penetrance estimates, and inheritance mode, an automated score was calculated to assess if this variant is too frequent to cause the disease. Based on the score and internal cut-off values, a variant classified as benign is not then subjected to further curation. The score for this variant resulted in a classification of benign for this disease.

Breakthrough Genomics
Classification: Benign. Review status: criteria provided, single submitter. Criteria: ACMG Guidelines, 2015. Collection method: not provided. Allele origin: germline. Inheritance: Unknown mechanism. Affected: yes.